The following is an entry in ClinVar:

NM_014974.3(DIP2C):c.3463G>A (p.Ala1155Thr)

Gene: DIP2C (DIP2 acetate--CoA ligase C (putative); minus strand). Cytogenetic location: 10p15.3.
Variant type: single nucleotide variant.
Coding change: c.3463G>A on transcript NM_014974.3 (MANE Select); coding-DNA position 3463, G replaced by A.
Protein change: p.Ala1155Thr; replaces alanine 1155 with threonine.
Molecular consequence: missense variant.
Genome position (GRCh38, 1-based): chr10:341,320, C>T on the plus strand (G>A on the coding strand, the complement: DIP2C is on the minus strand). VCF-style: chr10-341320-C-T. GRCh37 (hg19) VCF-style: chr10-387260-C-T.
Other names: c.3463G>A (NM_014974.2); short protein forms A1155T.
Identifiers: ClinVar variation 1394038 (VCV001394038.10), dbSNP rs148775278, ClinGen allele CA5379941.

ClinVar aggregate classification (germline): Uncertain significance. Review status: criteria provided, multiple submitters, no conflicts (2 of 4 stars). 2 submissions from 2 submitters: Uncertain significance (2). Last evaluated 2023-08-21.

Conditions:
Inborn genetic diseases. Identifiers: MedGen C0950123, MeSH D030342.

Allele frequency attached by ClinVar (database versions not stated): gnomAD exomes 0.00001 and 0.00002; ExAC 0.00003; gnomAD 0.00004; TOPMed 0.00004; ESP Exome Variant Server 0.00008; 1000 Genomes Project 30x 0.00016.
gnomAD v4.1: 26 of 1,613,858 alleles (0.0016%); highest among the groups gnomAD compares: African/African-American, 0.0053%; no homozygotes.

Submissions (2):

Ambry Genetics
Classification: Uncertain significance for Inborn genetic diseases. Last evaluated: 2023-08-21. Review status: criteria provided, single submitter. Criteria: Ambry Variant Classification Scheme 2023. Collection method: clinical testing. Allele origin: germline.

Labcorp Genetics (formerly Invitae), Labcorp
Classification: Uncertain significance. Last evaluated: 2023-06-15. Review status: criteria provided, single submitter. Criteria: Invitae Variant Classification Sherloc (09022015). Collection method: clinical testing. Allele origin: germline.
Comment: In summary, the available evidence is currently insufficient to determine the role of this variant in disease. Therefore, it has been classified as a Variant of Uncertain Significance. This sequence change replaces alanine, which is neutral and non-polar, with threonine, which is neutral and polar, at codon 1155 of the DIP2C protein (p.Ala1155Thr). This variant is present in population databases (rs148775278, gnomAD 0.007%). This variant has not been reported in the literature in individuals affected with DIP2C-related conditions. ClinVar contains an entry for this variant (Variation ID: 1394038). An algorithm developed to predict the effect of missense changes on protein structure and function (PolyPhen-2) suggests that this variant is likely to be tolerated.